The following is an entry in ClinVar:

ClinVar aggregate classification (germline): Conflicting classifications of pathogenicity. Review status: criteria provided, conflicting classifications (1 of 4 stars). 2 submissions from 2 submitters: Uncertain significance (1); Likely benign (1). Last evaluated 2025-10-01.

Conditions:
Mitochondrial complex II deficiency, nuclear type 1. Also called: SUCCINATE CoQ REDUCTASE DEFICIENCY. Identifiers: Orphanet 3208, MedGen C5700310, MONDO:0100294, OMIM 252011.
Pheochromocytoma/paraganglioma syndrome 5. Also called: Paragangliomas 5; SDHA-Related Hereditary Paraganglioma-Pheochromocytoma Syndrome. Identifiers: Orphanet 29072, MedGen C3279992, MONDO:0013602, OMIM 614165.
Hereditary cancer-predisposing syndrome. Also called: Tumor predisposition; Hereditary neoplastic syndrome; Neoplastic Syndromes, Hereditary; Hereditary Cancer Syndrome. Identifiers: Orphanet 140162, MedGen C0027672, MeSH D009386, MONDO:0015356.

Allele frequency attached by ClinVar (database versions not stated): gnomAD 0.00001; ExAC 0.00002; gnomAD exomes 0.00002; TOPMed 0.00003.
gnomAD v4.1: 12 of 1,614,102 alleles (0.00074%); highest among the groups gnomAD compares: East Asian, 0.0022%; no homozygotes.

Submissions (2):

Ambry Genetics
Classification: Likely benign for Hereditary cancer-predisposing syndrome. Last evaluated: 2025-10-01. Review status: criteria provided, single submitter. Criteria: Ambry Variant Classification Scheme 2023. Collection method: clinical testing. Allele origin: germline.

Labcorp Genetics (formerly Invitae), Labcorp
Classification: Uncertain significance for Pheochromocytoma/paraganglioma syndrome 5; Mitochondrial complex II deficiency, nuclear type 1. Last evaluated: 2024-04-29. Review status: criteria provided, single submitter. Criteria: Invitae Variant Classification Sherloc (09022015). Collection method: clinical testing. Allele origin: germline.
Comment: This sequence change replaces valine, which is neutral and non-polar, with isoleucine, which is neutral and non-polar, at codon 333 of the SDHA protein (p.Val333Ile). This variant is present in population databases (rs1062468, gnomAD 0.003%). This variant has not been reported in the literature in individuals affected with SDHA-related conditions. ClinVar contains an entry for this variant (Variation ID: 1004833). Advanced modeling of protein sequence and biophysical properties (such as structural, functional, and spatial information, amino acid conservation, physicochemical variation, residue mobility, and thermodynamic stability) performed at Invitae indicates that this missense variant is not expected to disrupt SDHA protein function with a negative predictive value of 95%. In summary, the available evidence is currently insufficient to determine the role of this variant in disease. Therefore, it has been classified as a Variant of Uncertain Significance.

NM_004168.4(SDHA):c.997G>A (p.Val333Ile)

Gene: SDHA (succinate dehydrogenase complex flavoprotein subunit A; plus strand). Cytogenetic location: 5p15.33.
Variant type: single nucleotide variant.
Coding change: c.997G>A on transcript NM_004168.4 (MANE Select); coding-DNA position 997, G replaced by A.
Protein change: p.Val333Ile; replaces valine 333 with isoleucine.
Molecular consequence: missense variant.
Genome position (GRCh38, 1-based): chr5:233,578, G>A. VCF-style: chr5-233578-G-A. GRCh37 (hg19) VCF-style: chr5-233693-G-A.
Other names: c.853G>A, p.Val285Ile (NM_001294332.2); c.997G>A, p.Val333Ile (NM_001330758.2); short protein forms V285I, V333I.
Identifiers: ClinVar variation 1004833 (VCV001004833.12), dbSNP rs1062468, ClinGen allele CA3173060.
Genomic context (GRCh38, chr5:233,578, plus strand): 5'-GGAGAGGGAGGCATTCTCATTAACAGTCAAGGCGAAAGGTTTATGGAGCGATACGCCCCT[G>A]TCGCGAAGGACCTGGCGTCTAGAGATGTGGTGTCTCGGTCCATGACTCTGGAGATCCGAG-3'
Protein context (NP_004159.2, residues 323-343): GERFMERYAP[Val333Ile]AKDLASRDVV